The following is an entry in ClinVar:

NC_000002.11:g.(?_73651548)_(73653691_?)dup

Gene: ALMS1 (ALMS1 centrosome and basal body associated protein; plus strand). Cytogenetic location: 2p13.1.
Variant type: Duplication.
Identifiers: ClinVar variation 1067382 (VCV001067382.2).

ClinVar aggregate classification (germline): Likely pathogenic (1 of 4 stars; one submission).

Conditions:
Alstrom syndrome (ALMS). Identifiers: Orphanet 64, MedGen C0268425, MONDO:0008763, OMIM 203800.

Submission:

Labcorp Genetics (formerly Invitae), Labcorp
Classification: Likely pathogenic for Alstrom syndrome. Last evaluated: 2022-07-23. Review status: criteria provided, single submitter. Criteria: Invitae Variant Classification Sherloc (09022015). Collection method: clinical testing. Allele origin: germline.
Comment: This variant results in a copy number gain of the genomic region encompassing exon(s) 5-6 of the ALMS1 gene. While the exact position of this variant cannot be determined from the data, sub-genic copy number gains are generally in tandem (PMID: 25640679). This variant is predicted to be out-of-frame, and may result in an absent or disrupted protein product. Loss-of-function variants in ALMS1 are known to be pathogenic (PMID: 17594715). This variant has not been reported in the literature in individuals affected with ALMS1-related conditions. In summary, the currently available evidence indicates that the variant is pathogenic, but additional data are needed to prove that conclusively. Therefore, this variant has been classified as Likely Pathogenic.

Literature cited by the submitters: PubMed 25640679; PubMed 17594715.